The following is an entry in ClinVar:

NM_201384.3(PLEC):c.6247G>A (p.Ala2083Thr)

Gene: PLEC (plectin; minus strand). Cytogenetic location: 8q24.3.
Variant type: single nucleotide variant.
Coding change: c.6247G>A on transcript NM_201384.3 (MANE Select); coding-DNA position 6247, G replaced by A.
Protein change: p.Ala2083Thr; replaces alanine 2083 with threonine.
Molecular consequence: missense variant. On other transcripts: intron variant (1).
Genome position (GRCh38, 1-based): chr8:143,923,682, C>T on the plus strand (G>A on the coding strand, the complement: PLEC is on the minus strand). VCF-style: chr8-143923682-C-T. GRCh37 (hg19) VCF-style: chr8-144997850-C-T.
Other names: c.6328G>A, p.Ala2110Thr (NM_000445.5); c.6205G>A, p.Ala2069Thr (NM_201378.4); c.6181G>A, p.Ala2061Thr (NM_201379.3); c.6658G>A, p.Ala2220Thr (NM_201380.4); c.6151G>A, p.Ala2051Thr (NM_201381.3); c.6247G>A, p.Ala2083Thr (NM_201382.4); c.6259G>A, p.Ala2087Thr (NM_201383.3); c.4126-1287G>A (NM_001410941.1); and 1 more; short protein forms A2051T, A2061T, A2069T, A2083T, A2087T, A2110T, A2220T.
Identifiers: ClinVar variation 3754877 (VCV003754877.3).

ClinVar aggregate classification (germline): Uncertain significance. Review status: criteria provided, multiple submitters, no conflicts (2 of 4 stars). 2 submissions from 2 submitters: Uncertain significance (2). Last evaluated 2025-09-24.

Conditions:
Inborn genetic diseases. Identifiers: MedGen C0950123, MeSH D030342.
Epidermolysis bullosa simplex with nail dystrophy (EBS5D). Identifiers: MedGen C4225309, MONDO:0014661, OMIM 616487.
Epidermolysis bullosa simplex, Ogna type (EBS5A). Also called: Pidermolysis bullosa simplex 5A, Ogna type; EPIDERMOLYSIS BULLOSA SIMPLEX 5A, OGNA TYPE. Identifiers: Orphanet 79401, MedGen C0432317, MONDO:0007555, OMIM 131950.
Autosomal recessive limb-girdle muscular dystrophy type 2Q (LGMDR17). Also called: MUSCULAR DYSTROPHY, LIMB-GIRDLE, AUTOSOMAL RECESSIVE 17. Identifiers: Orphanet 254361, MedGen C3150989, MONDO:0013390, OMIM 613723.
Epidermolysis bullosa simplex 5B, with muscular dystrophy (EBS5B). Also called: EPIDERMOLYSIS BULLOSA SIMPLEX AND LIMB-GIRDLE MUSCULAR DYSTROPHY; Epidermolysis bullosa simplex with muscular dystrophy. Identifiers: Orphanet 257, MedGen C2931072, MONDO:0009181, OMIM 226670.
Epidermolysis bullosa simplex 5C, with pyloric atresia (EBS5C). Also called: PLEC-Related Epidermolysis Bullosa with Pyloric Atresia; Epidermolysis bullosa simplex with pyloric atresia; PLEC1-Related Epidermolysis Bullosa with Pyloric Atresia. Identifiers: Orphanet 158684, MedGen C2677349, MONDO:0012807, OMIM 612138.

Submissions (2):

Ambry Genetics
Classification: Uncertain significance for Inborn genetic diseases. Last evaluated: 2025-09-24. Review status: criteria provided, single submitter. Criteria: Ambry Variant Classification Scheme 2023. Collection method: clinical testing. Allele origin: germline.

Labcorp Genetics (formerly Invitae), Labcorp
Classification: Uncertain significance for Autosomal recessive limb-girdle muscular dystrophy type 2Q; Epidermolysis bullosa simplex, Ogna type; Epidermolysis bullosa simplex with nail dystrophy; Epidermolysis bullosa simplex 5C, with pyloric atresia; Epidermolysis bullosa simplex 5B, with muscular dystrophy. Last evaluated: 2024-07-07. Review status: criteria provided, single submitter. Criteria: Invitae Variant Classification Sherloc (09022015). Collection method: clinical testing. Allele origin: germline.
Comment: This sequence change replaces alanine, which is neutral and non-polar, with threonine, which is neutral and polar, at codon 2110 of the PLEC protein (p.Ala2110Thr). This variant is not present in population databases (gnomAD no frequency). This variant has not been reported in the literature in individuals affected with PLEC-related conditions. An algorithm developed to predict the effect of missense changes on protein structure and function (PolyPhen-2) suggests that this variant is likely to be tolerated. In summary, the available evidence is currently insufficient to determine the role of this variant in disease. Therefore, it has been classified as a Variant of Uncertain Significance.